The following is an entry in ClinVar:

ClinVar aggregate classification (germline): Pathogenic (1 of 4 stars; one submission).

Conditions:
Neurofibromatosis, type 1 (NF1). Also called: Neurofibromatosis, type I; VON RECKLINGHAUSEN DISEASE; NEUROFIBROMATOSIS, TYPE I, SOMATIC; Peripheral type neurofibromatosis. Identifiers: Orphanet 636, MedGen C0027831, MONDO:0018975, OMIM 162200. Disease mechanism: loss of function.

Submission:

Labcorp Genetics (formerly Invitae), Labcorp
Classification: Pathogenic for Neurofibromatosis, type 1. Last evaluated: 2021-06-22. Review status: criteria provided, single submitter. Criteria: Invitae Variant Classification Sherloc (09022015). Collection method: clinical testing. Allele origin: germline.
Comment: For these reasons, this variant has been classified as Pathogenic. This variant has not been reported in the literature in individuals affected with NF1-related conditions. This variant is not present in population databases (ExAC no frequency). This sequence change creates a premature translational stop signal (p.His1431Leufs*17) in the NF1 gene. It is expected to result in an absent or disrupted protein product. Loss-of-function variants in NF1 are known to be pathogenic (PMID: 10712197, 23913538).

Literature cited by the submitters: PubMed 10712197; PubMed 23913538.

NM_001042492.3(NF1):c.4355del (p.His1452fs)

Gene: NF1 (neurofibromin 1; plus strand). Cytogenetic location: 17q11.2.
Variant type: Deletion.
Coding change: c.4355del on transcript NM_001042492.3 (MANE Select); coding-DNA position 4355, one base deleted (A; older notation c.4355delA).
Protein change: p.His1452fs; shifts the reading frame from histidine 1452.
Molecular consequence: frameshift variant.
Genome position (GRCh38, 1-based): chr17:31,259,054, A deleted. VCF-style (leftmost placement, unchanged base first): chr17-31259053-CA-C. GRCh37 (hg19) VCF-style: chr17-29586071-CA-C.
Other names: c.4292delA, p.His1431Leufs (NM_000267.4); short protein forms H1431fs, H1452fs.
Identifiers: ClinVar variation 1457278 (VCV001457278.6), dbSNP rs2151462997, ClinGen allele CA2573153623.